The following is an entry in ClinVar:

ClinVar aggregate classification (germline): Pathogenic (1 of 4 stars; one submission).

Conditions:
KBG syndrome (KBGS). Also called: ANKRD11-Related KBG Syndrome. Identifiers: Orphanet 2332, MedGen C0220687, MONDO:0007846, OMIM 148050.

Submission:

Labcorp Genetics (formerly Invitae), Labcorp
Classification: Pathogenic for KBG syndrome. Last evaluated: 2022-03-14. Review status: criteria provided, single submitter. Criteria: Invitae Variant Classification Sherloc (09022015). Collection method: clinical testing. Allele origin: germline.
Comment: For these reasons, this variant has been classified as Pathogenic. This sequence change creates a premature translational stop signal (p.Lys1457Argfs*73) in the ANKRD11 gene. It is expected to result in an absent or disrupted protein product. Loss-of-function variants in ANKRD11 are known to be pathogenic (PMID: 21782149, 25125236, 25413698, 25652421). This variant is not present in population databases (gnomAD no frequency). This variant has not been reported in the literature in individuals affected with ANKRD11-related conditions.

Literature cited by the submitters: PubMed 21782149; PubMed 25125236; PubMed 25413698; PubMed 25652421.

NM_013275.6(ANKRD11):c.4370_4373del (p.Lys1457fs)

Gene: ANKRD11 (ankyrin repeat domain 11; minus strand). Cytogenetic location: 16q24.3.
Variant type: Deletion.
Coding change: c.4370_4373del on transcript NM_013275.6 (MANE Select); coding-DNA positions 4370 to 4373, 4 bases deleted (AAGA; older notation c.4370_4373delAAGA).
Protein change: p.Lys1457fs; shifts the reading frame from lysine 1457.
Molecular consequence: frameshift variant.
Genome position (GRCh38, 1-based): chr16:89,282,169-89,282,172, TCTT deleted on the plus strand (AAGA on the coding strand, the reverse complement: ANKRD11 is on the minus strand); deleting any 4 consecutive bases within chr16:89,282,169-89,282,173 gives the same sequence; the c. name uses the placement nearest the transcript's 3' end. VCF-style (leftmost placement, unchanged base first): chr16-89282168-CTCTT-C. GRCh37 (hg19) VCF-style: chr16-89348576-CTCTT-C.
Other names: c.4370_4373del, p.Lys1457fs (NM_001256182.2, NM_001256183.2); short protein forms K1457fs.
Identifiers: ClinVar variation 2111588 (VCV002111588.4), dbSNP rs2544233083, ClinGen allele CA2580092265.